The following is an entry in ClinVar:

ClinVar aggregate classification (germline): Uncertain significance (1 of 4 stars; one submission).

Conditions:
Inborn genetic diseases. Identifiers: MedGen C0950123, MeSH D030342.

Allele frequency attached by ClinVar (database versions not stated): gnomAD exomes below 0.00001.
gnomAD v4.1: 1 of 1,613,238 alleles (0.000062%); highest among the groups gnomAD compares: Non-Finnish European, 0.000085%; no homozygotes.

Submission:

Ambry Genetics
Classification: Uncertain significance for Inborn genetic diseases. Last evaluated: 2022-09-03. Review status: criteria provided, single submitter. Criteria: Ambry Variant Classification Scheme 2023. Collection method: clinical testing. Allele origin: germline.
Comment: The p.I1292T variant (also known as c.3875T>C), located in coding exon 21 of the ATR gene, results from a T to C substitution at nucleotide position 3875. The isoleucine at codon 1292 is replaced by threonine, an amino acid with similar properties. This amino acid position is conserved. In addition, the in silico prediction for this alteration is inconclusive. Since supporting evidence is limited at this time, the clinical significance of this alteration remains unclear.

NM_001184.4(ATR):c.3875T>C (p.Ile1292Thr)

Gene: ATR (ATR checkpoint kinase; minus strand). Cytogenetic location: 3q23.
Variant type: single nucleotide variant.
Coding change: c.3875T>C on transcript NM_001184.4 (MANE Select); coding-DNA position 3875, T replaced by C.
Protein change: p.Ile1292Thr; replaces isoleucine 1292 with threonine.
Molecular consequence: missense variant.
Genome position (GRCh38, 1-based): chr3:142,535,150, A>G on the plus strand (T>C on the coding strand, the complement: ATR is on the minus strand). VCF-style: chr3-142535150-A-G. GRCh37 (hg19) VCF-style: chr3-142253992-A-G.
Other names: c.3683T>C, p.Ile1228Thr (NM_001354579.2); short protein forms I1228T, I1292T.
Identifiers: ClinVar variation 1735747 (VCV001735747.2), dbSNP rs2108424899, ClinGen allele CA354806207.
Genomic context (GRCh38, chr3:142,535,150, plus strand): 5'-TACAAGGTTTCCTTCAAGCTTGTAAGAGCATGAATACGAACATCGACATTTTCATGTTGA[A>G]TGGCCTTCATAGAGAGCTGAAGAGTTGTCTGAAGATCAGTGCTCTCAGAGGTCTCCTATA-3'
Protein context (NP_001175.2, residues 1282-1302): QTTLQLSMKA[Ile1292Thr]QHENVDVRIH